The following is an entry in ClinVar:

NM_004104.5(FASN):c.5600_5602del (p.Gly1867del)

Gene: FASN (fatty acid synthase; minus strand). Cytogenetic location: 17q25.3.
Variant type: Deletion.
Coding change: c.5600_5602del on transcript NM_004104.5 (MANE Select); coding-DNA positions 5600 to 5602, 3 bases deleted (GGG; older notation c.5600_5602delGGG).
Protein change: p.Gly1867del; deletes glycine 1867.
Molecular consequence: inframe deletion.
Genome position (GRCh38, 1-based): chr17:82,083,079-82,083,081, CCC deleted on the plus strand (GGG on the coding strand, the reverse complement: FASN is on the minus strand); deleting any 3 consecutive bases within chr17:82,083,079-82,083,083 gives the same sequence; the c. name uses the placement nearest the transcript's 3' end. VCF-style (leftmost placement, unchanged base first): chr17-82083078-GCCC-G. GRCh37 (hg19) VCF-style: chr17-80040954-GCCC-G.
Other names: c.5600_5602delGGG (NM_004104.5); short protein forms G1867del.
Identifiers: ClinVar variation 1429833 (VCV001429833.8), dbSNP rs746627809, ClinGen allele CA8851619.

ClinVar aggregate classification (germline): Uncertain significance. Review status: criteria provided, multiple submitters, no conflicts (2 of 4 stars). 2 submissions from 2 submitters: Uncertain significance (2). Last evaluated 2026-01-21.

Conditions:
Epileptic encephalopathy. Identifiers: MedGen C0543888, HP:0200134.

Submissions (2):

Labcorp Genetics (formerly Invitae), Labcorp
Classification: Uncertain significance for Epileptic encephalopathy. Last evaluated: 2026-01-21. Review status: criteria provided, single submitter. Criteria: Invitae Variant Classification Sherloc (09022015). Collection method: clinical testing. Allele origin: germline.
Comment: This variant, c.5600_5602del, results in the deletion of 1 amino acid(s) of the FASN protein (p.Gly1867del), but otherwise preserves the integrity of the reading frame. This variant is present in population databases (rs746627809, gnomAD 0.1%), and has an allele count higher than expected for a pathogenic variant. This variant has not been reported in the literature in individuals affected with FASN-related conditions. ClinVar contains an entry for this variant (Variation ID: 1429833). Experimental studies and prediction algorithms are not available or were not evaluated, and the functional significance of this variant is currently unknown. In summary, the available evidence is currently insufficient to determine the role of this variant in disease. Therefore, it has been classified as a Variant of Uncertain Significance.

Women's Health and Genetics/Laboratory Corporation of America, LabCorp
Classification: Uncertain significance. Last evaluated: 2023-10-27. Review status: criteria provided, single submitter. Criteria: LabCorp Variant Classification Summary - May 2015. Collection method: clinical testing. Allele origin: germline.
Comment: Variant summary: FASN c.5600_5602delGGG (p.Gly1867del) results in an in-frame deletion that is predicted to remove one amino acid from the encoded protein. The variant allele was found at a frequency of 0.00019 in 248498 control chromosomes, found exclusively within the South Asian subpopulation in the gnomAD database at a frequency of 0.0015. To our knowledge, no occurrence of c.5600_5602delGGG in individuals affected with FASN-Related Disorders and no experimental evidence demonstrating its impact on protein function have been reported. One submitter has cited a clinical-significance assessment for this variant to ClinVar after 2014 and has classified the variant as uncertain significance. Based on the evidence outlined above, the variant was classified as uncertain significance.